The following is an entry in ClinVar:

NM_000061.3(BTK):c.1025G>A (p.Ser342Asn)

Gene: BTK (Bruton tyrosine kinase; minus strand). Cytogenetic location: Xq22.1.
Variant type: single nucleotide variant.
Coding change: c.1025G>A on transcript NM_000061.3 (MANE Select); coding-DNA position 1025, G replaced by A.
Protein change: p.Ser342Asn; replaces serine 342 with asparagine.
Molecular consequence: missense variant.
Genome position (GRCh38, 1-based): chrX:101,358,387, C>T on the plus strand (G>A on the coding strand, the complement: BTK is on the minus strand). VCF-style: chrX-101358387-C-T. GRCh37 (hg19) VCF-style: chrX-100613375-C-T.
Other names: c.1127G>A, p.Ser376Asn (NM_001287344.2); c.1025G>A, p.Ser342Asn (NM_001287345.2); short protein forms S342N, S376N.
Identifiers: ClinVar variation 4772904 (VCV004772904.1).

ClinVar aggregate classification (germline): Uncertain significance (1 of 4 stars; one submission).

Conditions:
X-linked agammaglobulinemia with growth hormone deficiency (IGHD3). Also called: AGAMMAGLOBULINEMIA AND ISOLATED GROWTH HORMONE DEFICIENCY, X-LINKED; FLEISHER SYNDROME; ISOLATED GROWTH HORMONE DEFICIENCY, TYPE III, WITH AGAMMAGLOBULINEMIA; Isolated growth hormone deficiency type 3; Growth hormone deficiency with hypogammaglobulinemia; HYPOGAMMAGLOBULINEMIA AND ISOLATED GROWTH HORMONE DEFICIENCY, X-LINKED. Identifiers: Orphanet 231692, Orphanet 631, MedGen C0472813, MONDO:0010615, OMIM 307200.

gnomAD v4.1: 1 of 1,211,851 alleles (0.000083%); highest among the groups gnomAD compares: South Asian, 0.0018%; no homozygotes.

Submission:

Labcorp Genetics (formerly Invitae), Labcorp
Classification: Uncertain significance for X-linked agammaglobulinemia with growth hormone deficiency. Last evaluated: 2025-04-22. Review status: criteria provided, single submitter. Criteria: Invitae Variant Classification Sherloc (09022015). Collection method: clinical testing. Allele origin: germline.
Comment: This sequence change replaces serine, which is neutral and polar, with asparagine, which is neutral and polar, at codon 342 of the BTK protein (p.Ser342Asn). This variant is not present in population databases (gnomAD no frequency). This variant has not been reported in the literature in individuals affected with BTK-related conditions. Invitae Evidence Modeling of protein sequence and biophysical properties (such as structural, functional, and spatial information, amino acid conservation, physicochemical variation, residue mobility, and thermodynamic stability) indicates that this missense variant is not expected to disrupt BTK protein function with a negative predictive value of 95%. In summary, the available evidence is currently insufficient to determine the role of this variant in disease. Therefore, it has been classified as a Variant of Uncertain Significance.